The following is an entry in ClinVar:

NM_021096.4(CACNA1I):c.1022ACA[1] (p.Asn342del)

Gene: CACNA1I (calcium voltage-gated channel subunit alpha1 I; plus strand). Cytogenetic location: 22q13.1.
Variant type: Microsatellite.
Coding change: c.1022ACA[1] on transcript NM_021096.4 (MANE Select); one copy of the 3-base unit ACA starting at c.1022; the reference has two copies in a row; one copy, 3 bases deleted.
Protein change: p.Asn342del; deletes asparagine 342.
Molecular consequence: inframe deletion.
Genome position (GRCh38, 1-based): chr22:39,641,151-39,641,153, ACA deleted; deleting any 3 consecutive bases within chr22:39,641,148-39,641,153 gives the same sequence; the position shown is the placement nearest the transcript's 3' end. VCF-style (leftmost placement, unchanged base first): chr22-39641147-GACA-G. GRCh37 (hg19) VCF-style: chr22-40037152-GACA-G.
Other names: c.1022ACA[1], p.Asn342del (NM_001003406.2); short protein forms N342del.
Identifiers: ClinVar variation 2630778 (VCV002630778.2), dbSNP rs2518135703, ClinGen allele CA2656821829.
Genomic context (GRCh38, chr22:39,641,147, plus strand): 5'-CGTTACTACAATGTGTGCCGCACGGGCAGCGCCAACCCCCACAAGGGTGCCATCAACTTT[GACA>G]ACATCGGTTATGCTTGGATTGTCATCTTCCAGGTGAGGCCATTCAGGCCTGGGGCCAGCC-3'

ClinVar aggregate classification (germline): Uncertain significance (1 of 4 stars; one submission).

Conditions:
CACNA1I-related disorder. Also called: CACNA1I-related condition.

Submission:

PreventionGenetics, part of Exact Sciences
Classification: Uncertain significance for CACNA1I-related condition. Last evaluated: 2025-10-21. Review status: criteria provided, single submitter. Criteria: ACMG Guidelines, 2015. Collection method: clinical testing. Allele origin: germline.
Comment: The CACNA1I c.1025_1027delACA variant is predicted to result in an in-frame deletion (p.Asn342del). To our knowledge, this variant has not been reported in the literature or in a large population database (gnomAD), indicating this variant is rare. At this time, the clinical significance of this variant is uncertain due to the absence of conclusive functional and genetic evidence.